The following is an entry in ClinVar:

NM_000052.7(ATP7A):c.1498G>A (p.Ala500Thr)

Gene: ATP7A (ATPase copper transporting alpha; plus strand). Cytogenetic location: Xq21.1.
Variant type: single nucleotide variant.
Coding change: c.1498G>A on transcript NM_000052.7 (MANE Select); coding-DNA position 1498, G replaced by A.
Protein change: p.Ala500Thr; replaces alanine 500 with threonine.
Molecular consequence: missense variant.
Genome position (GRCh38, 1-based): chrX:77,998,639, G>A. VCF-style: chrX-77998639-G-A. GRCh37 (hg19) VCF-style: chrX-77254136-G-A.
Other names: c.1498G>A, p.Ala500Thr (NM_001282224.2); short protein forms A500T.
Identifiers: ClinVar variation 1678680 (VCV001678680.5), dbSNP rs2149087885, ClinGen allele CA413595057.

ClinVar aggregate classification (germline): Uncertain significance. Review status: criteria provided, multiple submitters, no conflicts (2 of 4 stars). 2 submissions from 2 submitters: Uncertain significance (2). Last evaluated 2023-12-27.

Conditions:
Menkes kinky-hair syndrome (MNK). Also called: Copper transport disease; Classic Menkes Disease; Menkes Disease. Identifiers: Orphanet 565, MedGen C0022716, MONDO:0010651, OMIM 309400.
Cutis laxa, X-linked (OHS). Also called: EDS IX; Occipital horn syndrome. Identifiers: Orphanet 198, MedGen C0268353, MONDO:0010572, OMIM 304150.
X-linked distal spinal muscular atrophy type 3. Also called: SPINAL MUSCULAR ATROPHY, DISTAL, X-LINKED RECESSIVE; ATP7A-Related Distal Motor Neuropathy; NEURONOPATHY, DISTAL HEREDITARY MOTOR, X-LINKED; NEUROPATHY, DISTAL HEREDITARY MOTOR, X-LINKED. Identifiers: Orphanet 139557, MedGen C1845359, MONDO:0010338, OMIM 300489.

gnomAD v4.1: 1 of 1,211,816 alleles (0.000083%); highest among the groups gnomAD compares: Non-Finnish European, 0.00011%; no homozygotes.

Submissions (2):

Labcorp Genetics (formerly Invitae), Labcorp
Classification: Uncertain significance for X-linked distal spinal muscular atrophy type 3; Cutis laxa, X-linked; Menkes kinky-hair syndrome. Last evaluated: 2023-12-27. Review status: criteria provided, single submitter. Criteria: Invitae Variant Classification Sherloc (09022015). Collection method: clinical testing. Allele origin: germline.
Comment: This sequence change replaces alanine, which is neutral and non-polar, with threonine, which is neutral and polar, at codon 500 of the ATP7A protein (p.Ala500Thr). This variant is not present in population databases (gnomAD no frequency). This variant has not been reported in the literature in individuals affected with ATP7A-related conditions. ClinVar contains an entry for this variant (Variation ID: 1678680). Advanced modeling of protein sequence and biophysical properties (such as structural, functional, and spatial information, amino acid conservation, physicochemical variation, residue mobility, and thermodynamic stability) performed at Invitae indicates that this missense variant is not expected to disrupt ATP7A protein function with a negative predictive value of 95%. In summary, the available evidence is currently insufficient to determine the role of this variant in disease. Therefore, it has been classified as a Variant of Uncertain Significance.

GeneDx
Classification: Uncertain significance. Last evaluated: 2021-10-11. Review status: criteria provided, single submitter. Criteria: GeneDx Variant Classification Process June 2021. Collection method: clinical testing. Allele origin: germline. Affected: yes.
Comment: Not observed at significant frequency in large population cohorts (gnomAD); In silico analysis supports that this missense variant has a deleterious effect on protein structure/function; Has not been previously published as pathogenic or benign to our knowledge